The following is an entry in ClinVar:

ClinVar aggregate classification (germline): Uncertain significance (1 of 4 stars; one submission).

Allele frequency attached by ClinVar (database versions not stated): gnomAD exomes below 0.00001.
gnomAD v4.1: 3 of 1,614,174 alleles (0.00019%); highest among the groups gnomAD compares: Non-Finnish European, 0.00025%; no homozygotes.

Submission:

Labcorp Genetics (formerly Invitae), Labcorp
Classification: Uncertain significance. Last evaluated: 2021-12-02. Review status: criteria provided, single submitter. Criteria: Invitae Variant Classification Sherloc (09022015). Collection method: clinical testing. Allele origin: germline.
Comment: In summary, the available evidence is currently insufficient to determine the role of this variant in disease. Therefore, it has been classified as a Variant of Uncertain Significance. Algorithms developed to predict the effect of missense changes on protein structure and function are either unavailable or do not agree on the potential impact of this missense change (SIFT: "Tolerated"; PolyPhen-2: "Possibly Damaging"; Align-GVGD: "Class C0"). This variant has not been reported in the literature in individuals affected with NAXD-related conditions. This variant is present in population databases (no rsID available, gnomAD 0.0009%). This sequence change replaces proline, which is neutral and non-polar, with serine, which is neutral and polar, at codon 63 of the NAXD protein (p.Pro63Ser).

NM_001242882.2(NAXD):c.133C>T (p.Pro45Ser)

Gene: NAXD (NAD(P)HX dehydratase; plus strand). Cytogenetic location: 13q34.
Variant type: single nucleotide variant.
Coding change: c.133C>T on transcript NM_001242882.2 (MANE Select); coding-DNA position 133, C replaced by T.
Protein change: p.Pro45Ser; replaces proline 45 with serine.
Molecular consequence: missense variant. On other transcripts: non-coding transcript variant (2), intron variant (1).
Genome position (GRCh38, 1-based): chr13:110,622,302, C>T. VCF-style: chr13-110622302-C-T. GRCh37 (hg19) VCF-style: chr13-111274649-C-T.
Other names: c.187C>T, p.Pro63Ser (NM_001242881.2, NM_018210.4); c.57-5137C>T (NM_001242883.2); short protein forms P45S, P63S.
Identifiers: ClinVar variation 1349364 (VCV001349364.8), dbSNP rs1193502997, ClinGen allele CA388729714.